The following is an entry in ClinVar:

ClinVar aggregate classification (germline): Uncertain significance. Review status: criteria provided, multiple submitters, no conflicts (2 of 4 stars). 3 submissions from 3 submitters: Uncertain significance (3). Last evaluated 2026-08-22.

Conditions:
Neuropathy, hereditary sensory, type 2C. Also called: Hereditary sensory and autonomic neuropathy type IIC; KIF1A-Related HSAN2 (HSAN2C). Identifiers: Orphanet 970, MedGen C3280168, MONDO:0013634, OMIM 614213.
Intellectual disability, autosomal dominant 9 (NESCAVS). Also called: NESCAV SYNDROME; KIF1A-Related Neurodevelopmental Disorder. Identifiers: Orphanet 662367, MedGen C5393830, MONDO:0013656, OMIM 614255.
Hereditary spastic paraplegia 30. Identifiers: Orphanet 101010, MedGen C5235139, MONDO:0012476.
Inborn genetic diseases. Identifiers: MedGen C0950123, MeSH D030342.

Allele frequency attached by ClinVar (database versions not stated): gnomAD exomes 0.00002 and below 0.00001; TOPMed 0.00003; ExAC 0.00001; gnomAD 0.00005.
gnomAD v4.1: 16 of 1,608,546 alleles (0.00099%); highest among the groups gnomAD compares: Middle Eastern, 0.016%; no homozygotes.

Submissions (3):

GeneDx
Classification: Uncertain significance. Last evaluated: 2026-08-22. Review status: criteria provided, single submitter. Criteria: GeneDx Variant Classification Process June 2021. Collection method: clinical testing. Allele origin: germline.
Comment: In silico analysis supports that this missense variant has a deleterious effect on protein structure/function; Has not been previously published as pathogenic or benign to our knowledge; This variant is associated with the following publications: (PMID: 26125038, 21820098, 21376300)

Labcorp Genetics (formerly Invitae), Labcorp
Classification: Uncertain significance for Hereditary spastic paraplegia 30; Neuropathy, hereditary sensory, type 2C; Intellectual disability, autosomal dominant 9. Last evaluated: 2025-07-13. Review status: criteria provided, single submitter. Criteria: Invitae Variant Classification Sherloc (09022015). Collection method: clinical testing. Allele origin: germline.
Comment: This sequence change replaces glycine, which is neutral and non-polar, with arginine, which is basic and polar, at codon 3 of the KIF1A protein (p.Gly3Arg). This variant is present in population databases (rs751960710, gnomAD 0.005%). This variant has not been reported in the literature in individuals affected with KIF1A-related conditions. ClinVar contains an entry for this variant (Variation ID: 857025). Invitae Evidence Modeling of protein sequence and biophysical properties (such as structural, functional, and spatial information, amino acid conservation, physicochemical variation, residue mobility, and thermodynamic stability) indicates that this missense variant is expected to disrupt KIF1A protein function with a positive predictive value of 95%. In summary, the available evidence is currently insufficient to determine the role of this variant in disease. Therefore, it has been classified as a Variant of Uncertain Significance.

Ambry Genetics
Classification: Uncertain significance for Inborn genetic diseases. Last evaluated: 2021-07-28. Review status: criteria provided, single submitter. Criteria: Ambry Variant Classification Scheme 2023. Collection method: clinical testing. Allele origin: germline.
Comment: The p.G3R variant (also known as c.7G>A), located in coding exon 1 of the KIF1A gene, results from a G to A substitution at nucleotide position 7. The glycine at codon 3 is replaced by arginine, an amino acid with dissimilar properties. This amino acid position is highly conserved in available vertebrate species. In addition, this alteration is predicted to be deleterious by in silico analysis. Since supporting evidence is limited at this time, the clinical significance of this alteration remains unclear.

NM_001244008.2(KIF1A):c.7G>A (p.Gly3Arg)

Gene: KIF1A (kinesin family member 1A; minus strand). Cytogenetic location: 2q37.3.
Variant type: single nucleotide variant.
Coding change: c.7G>A on transcript NM_001244008.2 (MANE Select); coding-DNA position 7, G replaced by A.
Protein change: p.Gly3Arg; replaces glycine 3 with arginine.
Molecular consequence: missense variant.
Genome position (GRCh38, 1-based): chr2:240,797,746, C>T on the plus strand (G>A on the coding strand, the complement: KIF1A is on the minus strand). VCF-style: chr2-240797746-C-T. GRCh37 (hg19) VCF-style: chr2-241737163-C-T.
Other names: c.7G>A, p.Gly3Arg (NM_001320705.2, NM_001330289.2, NM_001330290.2 and 20 more transcripts); short protein forms G3R.
Identifiers: ClinVar variation 857025 (VCV000857025.12), dbSNP rs751960710, ClinGen allele CA2208926.